The following is an entry in ClinVar:

NM_000321.3(RB1):c.380G>A (p.Ser127Asn)

Gene: RB1 (RB transcriptional corepressor 1; plus strand). Cytogenetic location: 13q14.2.
Variant type: single nucleotide variant.
Coding change: c.380G>A on transcript NM_000321.3 (MANE Select); coding-DNA position 380, G replaced by A.
Protein change: p.Ser127Asn; replaces serine 127 with asparagine.
Molecular consequence: missense variant.
Genome position (GRCh38, 1-based): chr13:48,342,714, G>A. VCF-style: chr13-48342714-G-A. GRCh37 (hg19) VCF-style: chr13-48916850-G-A.
Other names: short protein forms S127N.
Identifiers: ClinVar variation 428730 (VCV000428730.9), dbSNP rs1131690843, ClinGen allele CA388252575.

ClinVar aggregate classification (germline): Pathogenic/Likely pathogenic. Review status: criteria provided, multiple submitters, no conflicts (2 of 4 stars). 3 submissions from 3 submitters: Pathogenic (1); Likely pathogenic (2). Last evaluated 2024-05-20.

Conditions:
Hereditary cancer-predisposing syndrome. Also called: Hereditary Cancer Syndrome; Neoplastic Syndromes, Hereditary; Hereditary neoplastic syndrome; Tumor predisposition. Identifiers: Orphanet 140162, MedGen C0027672, MeSH D009386, MONDO:0015356.
Retinoblastoma (RB1). Also called: RETINOBLASTOMA, SOMATIC. Identifiers: Orphanet 790, MedGen C0035335, MeSH D012175, MONDO:0008380, OMIM 180200, HP:0009919. Disease mechanism: loss of function. Inheritance: Both sporadic and heritable forms are tested..

Submissions (3):

Genetic Diagnostic Laboratory, University of Pennsylvania School of Medicine
Classification: Pathogenic for Retinoblastoma. Last evaluated: 2024-05-20. Review status: criteria provided, single submitter. Criteria: ACMG Guidelines, 2015. Collection method: clinical testing. Allele origin: germline. Affected: yes. Observed: 3 variant alleles.
Comment: Case and Pedigree Information: BILATERAL CASES:2, UNILATERAL CASES:1, TOTAL CASES:3, PEDIGREES:3. ACMG Codes Applied:PVS1, PM2, PS4SUP

GeneDx
Classification: Likely pathogenic. Last evaluated: 2020-03-02. Review status: criteria provided, single submitter. Criteria: GeneDx Variant Classification Process June 2021. Collection method: clinical testing. Allele origin: germline. Affected: yes.
Comment: Not observed in large population cohorts (Lek 2016); While protein-based in silico analysis supports that this variant does not alter protein structure/function, splice predictors support a deleterious effect; This variant is associated with the following publications: (PMID: 15884040, 25928201)

Ambry Genetics
Classification: Likely pathogenic for Hereditary cancer-predisposing syndrome. Last evaluated: 2016-03-04. Review status: criteria provided, single submitter. Criteria: Ambry Variant Classification Scheme 2023. Collection method: clinical testing. Allele origin: germline.
Comment: The c.380G>A variant (also known as p.S127N), located in coding exon 3 of the RB1 gene, results from a G to A substitution at nucleotide position 380. The amino acid change results in serine to asparagine at codon 127, an amino acid with highly similar properties. However, this change occurs in the last base pair of coding exon 3, which makes it likely to have some effect on normal mRNA splicing. This variant was reported in an individual with bilateral retinoblastoma, but no family history of the disease. The authors also performed RNA studies, which showed aberrant splicing (Nichols KE et al. Hum. Mutat. 2005 Jun; 25(6):566-74). This variant was not reported in population based cohorts in the following databases: Database of Single Nucleotide Polymorphisms (dbSNP), NHLBI Exome Sequencing Project (ESP), and 1000 Genomes Project. In the ESP, this variant was not observed in 6502 samples (13004 alleles) with coverage at this position. Both the nucleotide and amino acid positions are highly conserved in available vertebrate species. Using the BDGP and ESEfinder splice site prediction tools, this alteration is predicted to weaken the efficiency of the native splice donor site; however, direct experimental evidence is unavailable. In addition, this alteration is predicted to be tolerated by in silico analysis. Based on the majority of available evidence to date, this variant is likely to be pathogenic.

Literature cited by the submitters: PubMed 15884040 (cited by Ambry Genetics).